The following is an entry in ClinVar:

NM_000810.4(GABRA5):c.1170G>A (p.Lys390=)

Gene: GABRA5 (gamma-aminobutyric acid type A receptor subunit alpha5; plus strand). Cytogenetic location: 15q12.
Variant type: single nucleotide variant.
Coding change: c.1170G>A on transcript NM_000810.4 (MANE Select); coding-DNA position 1170, G replaced by A.
Protein change: p.Lys390=; no amino-acid change (lysine 390 retained).
Molecular consequence: synonymous variant.
Genome position (GRCh38, 1-based): chr15:26,948,014, G>A. VCF-style: chr15-26948014-G-A. GRCh37 (hg19) VCF-style: chr15-27193161-G-A.
Other names: c.1170G>A, p.Lys390= (NM_001165037.2).
Identifiers: ClinVar variation 4084662 (VCV004084662.8).
Genomic context (GRCh38, chr15:26,948,014, plus strand): 5'-AAATAAGTCAACAAACGCTTTTACAACTGGGAAGATGTCTCACCCCCCAAACATTCCGAA[G>A]GAACAGACCCCAGCAGGGACGTCGAATACAACCTCAGTCTCAGTAAAACCCTCTGAAGAG-3'
Protein context (NP_000801.1, residues 380-400): GKMSHPPNIP[Lys390=]EQTPAGTSNT

ClinVar aggregate classification (germline): Likely benign (1 of 4 stars; one submission).

gnomAD v4.1: 2 of 1,603,202 alleles (0.00012%); highest among the groups gnomAD compares: Admixed American, 0.0034%; no homozygotes.

Submission:

CeGaT Center for Human Genetics Tuebingen
Classification: Likely benign. Last evaluated: 2026-07-01. Review status: criteria provided, single submitter. Criteria: CeGaT Center For Human Genetics Tuebingen Variant Classification Criteria Version 2. Collection method: clinical testing. Allele origin: germline. Affected: yes. Observed: 2 variant alleles.
Comment: GABRA5: BP4, BP7